The following is an entry in ClinVar:

NM_172362.3(KCNH1):c.21G>C (p.Arg7Ser)

Gene: KCNH1 (potassium voltage-gated channel subfamily H member 1; minus strand). Cytogenetic location: 1q32.2.
Variant type: single nucleotide variant.
Coding change: c.21G>C on transcript NM_172362.3 (MANE Select); coding-DNA position 21, G replaced by C.
Protein change: p.Arg7Ser; replaces arginine 7 with serine.
Molecular consequence: missense variant.
Genome position (GRCh38, 1-based): chr1:211,133,925, C>G on the plus strand (G>C on the coding strand, the complement: KCNH1 is on the minus strand). VCF-style: chr1-211133925-C-G. GRCh37 (hg19) VCF-style: chr1-211307267-C-G.
Other names: c.21G>C, p.Arg7Ser (NM_002238.4); short protein forms R7S.
Identifiers: ClinVar variation 2767399 (VCV002767399.3), dbSNP rs2526917316, ClinGen allele CA344876718.

ClinVar aggregate classification (germline): Uncertain significance (1 of 4 stars; one submission).

Submission:

Labcorp Genetics (formerly Invitae), Labcorp
Classification: Uncertain significance. Last evaluated: 2023-10-10. Review status: criteria provided, single submitter. Criteria: Invitae Variant Classification Sherloc (09022015). Collection method: clinical testing. Allele origin: germline.
Comment: This sequence change replaces arginine, which is basic and polar, with serine, which is neutral and polar, at codon 7 of the KCNH1 protein (p.Arg7Ser). This variant is not present in population databases (gnomAD no frequency). This variant has not been reported in the literature in individuals affected with KCNH1-related conditions. Advanced modeling of protein sequence and biophysical properties (such as structural, functional, and spatial information, amino acid conservation, physicochemical variation, residue mobility, and thermodynamic stability) performed at Invitae indicates that this missense variant is expected to disrupt KCNH1 protein function. In summary, the available evidence is currently insufficient to determine the role of this variant in disease. Therefore, it has been classified as a Variant of Uncertain Significance.